The following is an entry in ClinVar:

ClinVar aggregate classification (germline): Uncertain significance (1 of 4 stars; one submission).

Submission:

Labcorp Genetics (formerly Invitae), Labcorp
Classification: Uncertain significance. Last evaluated: 2024-01-08. Review status: criteria provided, single submitter. Criteria: Invitae Variant Classification Sherloc (09022015). Collection method: clinical testing. Allele origin: germline.
Comment: This sequence change replaces arginine, which is basic and polar, with tryptophan, which is neutral and slightly polar, at codon 15 of the EIF2B5 protein (p.Arg15Trp). This variant is not present in population databases (gnomAD no frequency). This variant has not been reported in the literature in individuals affected with EIF2B5-related conditions. ClinVar contains an entry for this variant (Variation ID: 2119676). Advanced modeling of protein sequence and biophysical properties (such as structural, functional, and spatial information, amino acid conservation, physicochemical variation, residue mobility, and thermodynamic stability) performed at Invitae indicates that this missense variant is expected to disrupt EIF2B5 protein function with a positive predictive value of 95%. In summary, the available evidence is currently insufficient to determine the role of this variant in disease. Therefore, it has been classified as a Variant of Uncertain Significance.

NM_003907.3(EIF2B5):c.43C>T (p.Arg15Trp)

Gene: EIF2B5 (eukaryotic translation initiation factor 2B subunit epsilon; plus strand). Cytogenetic location: 3q27.1.
Variant type: single nucleotide variant.
Coding change: c.43C>T on transcript NM_003907.3 (MANE Select); coding-DNA position 43, C replaced by T.
Protein change: p.Arg15Trp; replaces arginine 15 with tryptophan.
Molecular consequence: missense variant.
Genome position (GRCh38, 1-based): chr3:184,135,428, C>T. VCF-style: chr3-184135428-C-T. GRCh37 (hg19) VCF-style: chr3-183853216-C-T.
Other names: short protein forms R15W.
Identifiers: ClinVar variation 2119676 (VCV002119676.2), dbSNP rs544851337, ClinGen allele CA355381084.